The following is an entry in ClinVar:

ClinVar aggregate classification (germline): Pathogenic (1 of 4 stars; one submission).

Conditions:
Early onset severe obesity. Identifiers: MedGen C4013980.

Submission:

Cambridge Genomics Laboratory, East Genomic Laboratory Hub, NHS Genomic Medicine Service
Classification: Pathogenic for Severe early-onset obesity. Last evaluated: 2025-02-28. Review status: criteria provided, single submitter. Criteria: ACGS Best Practice Guidelines for Variant Classification in Rare Disease 2020. Collection method: clinical testing. Allele origin: germline. Affected: yes.
Comment: PVS1,PM2

NM_016592.5(GNAS):c.195del (p.Asn66fs)

Genes: GNAS (GNAS complex locus; plus strand), GNAS-AS1 (GNAS antisense RNA 1; minus strand). Cytogenetic location: 20q13.32.
Variant type: Deletion.
Coding change: c.195del on transcript NM_016592.5 (MANE Plus Clinical); coding-DNA position 195, one base deleted (T; older notation c.195delT).
Protein change: p.Asn66fs; shifts the reading frame from asparagine 66.
Molecular consequence: frameshift variant. On other transcripts: 5 prime UTR variant (1).
Genome position (GRCh38, 1-based): chr20:58,840,301, T deleted; the last of 2 consecutive T bases (chr20:58,840,300-58,840,301); deleting either gives the same sequence. VCF-style (leftmost placement, unchanged base first): chr20-58840299-CT-C. GRCh37 (hg19) VCF-style: chr20-57415354-CT-C.
Other names: c.-543del (NM_001410912.1); short protein forms N66fs.
Identifiers: ClinVar variation 4812844 (VCV004812844.2).